The following is an entry in ClinVar:

NM_002691.4(POLD1):c.1575G>T (p.Arg525=)

Gene: POLD1 (DNA polymerase delta 1, catalytic subunit; plus strand). Cytogenetic location: 19q13.33.
Variant type: single nucleotide variant.
Coding change: c.1575G>T on transcript NM_002691.4 (MANE Select); coding-DNA position 1575, G replaced by T.
Protein change: p.Arg525=; no amino-acid change (arginine 525 retained).
Molecular consequence: synonymous variant. On other transcripts: non-coding transcript variant (1).
Genome position (GRCh38, 1-based): chr19:50,407,063, G>T. VCF-style: chr19-50407063-G-T. GRCh37 (hg19) VCF-style: chr19-50910320-G-T.
Other names: c.1575G>T, p.Arg525= (NM_001256849.1, NM_001308632.1).
Identifiers: ClinVar variation 750816 (VCV000750816.14), dbSNP rs984632459, ClinGen allele CA508184013.

ClinVar aggregate classification (germline): Benign/Likely benign. Review status: criteria provided, multiple submitters, no conflicts (2 of 4 stars). 3 submissions from 3 submitters: Benign (1); Likely benign (2). Last evaluated 2025-02-07.

Conditions:
Hereditary cancer-predisposing syndrome. Also called: Hereditary Cancer Syndrome; Hereditary neoplastic syndrome; Neoplastic Syndromes, Hereditary; Tumor predisposition. Identifiers: Orphanet 140162, MedGen C0027672, MeSH D009386, MONDO:0015356.
POLD1-related polyposis and colorectal cancer syndrome (CRCS10). Also called: Colorectal cancer, susceptibility to, 10; Colorectal cancer 10; COLORECTAL CANCER, SUSCEPTIBILITY TO, ON CHROMOSOME 19q. Identifiers: Orphanet 220460, MedGen C2675481, MONDO:0012953, OMIM 612591.

Submissions (3):

Myriad Genetics, Inc.
Classification: Benign for POLD1-related polyposis and colorectal cancer syndrome. Last evaluated: 2025-02-07. Review status: criteria provided, single submitter. Criteria: Myriad Autosomal Dominant, Autosomal Recessive and X-Linked Classification Criteria (2023). Collection method: clinical testing. Allele origin: unknown.
Comment: This variant is considered benign. This variant is a silent/synonymous amino acid change and it is not expected to impact splicing.

Labcorp Genetics (formerly Invitae), Labcorp
Classification: Likely benign for POLD1-related polyposis and colorectal cancer syndrome. Last evaluated: 2023-03-20. Review status: criteria provided, single submitter. Criteria: Invitae Variant Classification Sherloc (09022015). Collection method: clinical testing. Allele origin: germline.

Ambry Genetics
Classification: Likely benign for Hereditary cancer-predisposing syndrome. Last evaluated: 2019-03-26. Review status: criteria provided, single submitter. Criteria: Ambry Variant Classification Scheme 2023. Collection method: clinical testing. Allele origin: germline.